The following is an entry in ClinVar:

ClinVar aggregate classification (germline): Uncertain significance. Review status: criteria provided, multiple submitters, no conflicts (2 of 4 stars). 2 submissions from 2 submitters: Uncertain significance (2). Last evaluated 2025-06-29.

Conditions:
Inborn genetic diseases. Identifiers: MedGen C0950123, MeSH D030342.

Allele frequency attached by ClinVar (database versions not stated): ExAC 0.00001; gnomAD 0.00002; gnomAD exomes 0.00002; ESP Exome Variant Server 0.00008; TOPMed 0.00003; 1000 Genomes Project 30x 0.00031; 1000 Genomes Project 0.00020.
gnomAD v4.1: 29 of 1,613,932 alleles (0.0018%); highest among the groups gnomAD compares: African/African-American, 0.004%; no homozygotes.

Submissions (2):

Labcorp Genetics (formerly Invitae), Labcorp
Classification: Uncertain significance. Last evaluated: 2025-06-29. Review status: criteria provided, single submitter. Criteria: Invitae Variant Classification Sherloc (09022015). Collection method: clinical testing. Allele origin: germline.
Comment: This sequence change replaces isoleucine, which is neutral and non-polar, with valine, which is neutral and non-polar, at codon 361 of the DSG1 protein (p.Ile361Val). This variant is present in population databases (rs138644777, gnomAD 0.007%). This variant has not been reported in the literature in individuals affected with DSG1-related conditions. ClinVar contains an entry for this variant (Variation ID: 2293432). Invitae Evidence Modeling of protein sequence and biophysical properties (such as structural, functional, and spatial information, amino acid conservation, physicochemical variation, residue mobility, and thermodynamic stability) indicates that this missense variant is not expected to disrupt DSG1 protein function with a negative predictive value of 80%. In summary, the available evidence is currently insufficient to determine the role of this variant in disease. Therefore, it has been classified as a Variant of Uncertain Significance.

Ambry Genetics
Classification: Uncertain significance for Inborn genetic diseases. Last evaluated: 2024-10-07. Review status: criteria provided, single submitter. Criteria: Ambry Variant Classification Scheme 2023. Collection method: clinical testing. Allele origin: germline.

NM_001942.4(DSG1):c.1081A>G (p.Ile361Val)

Gene: DSG1 (desmoglein 1; plus strand). Cytogenetic location: 18q12.1.
Variant type: single nucleotide variant.
Coding change: c.1081A>G on transcript NM_001942.4 (MANE Select); coding-DNA position 1081, A replaced by G.
Protein change: p.Ile361Val; replaces isoleucine 361 with valine.
Molecular consequence: missense variant.
Genome position (GRCh38, 1-based): chr18:31,336,429, A>G. VCF-style: chr18-31336429-A-G. GRCh37 (hg19) VCF-style: chr18-28916392-A-G.
Other names: short protein forms I361V.
Identifiers: ClinVar variation 2293432 (VCV002293432.6), dbSNP rs138644777, ClinGen allele CA8926013.